The following is an entry in ClinVar:

NM_001034853.2(RPGR):c.2064del (p.Arg688fs)

Gene: RPGR (retinitis pigmentosa GTPase regulator; minus strand). Cytogenetic location: Xp11.4.
Variant type: Deletion.
Coding change: c.2064del on transcript NM_001034853.2 (MANE Select); coding-DNA position 2064, one base deleted (G; older notation c.2064delG).
Protein change: p.Arg688fs; shifts the reading frame from arginine 688.
Molecular consequence: frameshift variant. On other transcripts: intron variant (8).
Genome position (GRCh38, 1-based): chrX:38,286,935, C deleted on the plus strand (G on the coding strand, the reverse complement: RPGR is on the minus strand); the first of 2 consecutive C bases (chrX:38,286,935-38,286,936); deleting either gives the same sequence. VCF-style (leftmost placement, unchanged base first): chrX-38286934-GC-G. GRCh37 (hg19) VCF-style: chrX-38146187-GC-G.
Other names: NC_000023.10:g.38146189del; NP_001030025.1:p.(Arg688SerfsTer9); c.1569+4024del (NM_001367249.1, NM_001367250.1); c.1902+159del (NM_001367245.1); c.1386+4024del (NM_001367251.1); c.1719+159del (NM_001367246.1); c.1572+4024del (NM_001367247.1); c.1905+159del (NM_000328.3); and 1 more; short protein forms R688fs.
Identifiers: ClinVar variation 2577493 (VCV002577493.2), dbSNP rs2519793840, ClinGen allele CA2580617528.

ClinVar aggregate classification (germline): Likely pathogenic (1 of 4 stars; one submission).

Conditions:
Retinitis pigmentosa (RP). Identifiers: Orphanet 791, MedGen C0035334, MeSH D012174, MONDO:0019200, OMIM 268000. Inheritance: Autosomal dominant, autosomal recessive and X linked inheritance.

Submission:

Ophthalmic Genetics Group, Institute of Molecular and Clinical Ophthalmology Basel
Classification: Likely pathogenic for Retinitis pigmentosa. Last evaluated: 2023-07-24. Review status: criteria provided, single submitter. Criteria: ACMG Guidelines, 2015. Collection method: research. Allele origin: germline. Affected: yes. Observed: 4 variant alleles.
Comment: Clinical significance based on ACMG v2.0

This variant was identified for 4 unrelated patients (2 male and 2 female patients) with Retinitis pigmentosa. It was classified as Likely pathogenic based on ACMG criteria: PVS1, PM2.

Literature cited by the submitters: PubMed 36909829.